The following is an entry in ClinVar:

NC_000006.11:g.(66094394_66112370)_(66115261_66200486)del

Gene: EYS (EGF-like photoreceptor maintenance factor; minus strand). Cytogenetic location: 6q12.
Variant type: Deletion.
Identifiers: ClinVar variation 1804717 (VCV001804717.1).

ClinVar aggregate classification (germline): Likely pathogenic (1 of 4 stars; one submission).

Conditions:
Retinitis pigmentosa (RP). Identifiers: Orphanet 791, MedGen C0035334, MeSH D012174, MONDO:0019200, OMIM 268000. Inheritance: Autosomal dominant, autosomal recessive and X linked inheritance.

Submission:

Women's Health and Genetics/Laboratory Corporation of America, LabCorp
Classification: Likely pathogenic for Retinitis pigmentosa. Last evaluated: 2022-11-21. Review status: criteria provided, single submitter. Criteria: LabCorp Variant Classification Summary - May 2015. Collection method: clinical testing. Allele origin: germline.
Comment: Variant summary: The variant identified by MLPA or other technology involves the deletion of exons 6-7 in the EYS gene. A presumed nomenclature of c.(862+1_863-1)_(1184+1_1185-1)del has been designated for the purposes of this classification. Although exact breakpoints of this deletion are not known, it is expected to result in a frameshift in the EYS gene, a known mechanism of disease. The variant was absent in 21694 control chromosomes in the gnomAD database (Structural variants data set). Deletion of exons 6-7 has been reported in the literature in one individual affected with Cone-rod Dystrophy in compound heterozygous state (example: Liu_2020). To our knowledge, no experimental evidence demonstrating an impact on protein function has been reported. No clinical diagnostic laboratories have submitted clinical-significance assessments for this variant to ClinVar after 2014. Based on the evidence outlined above, the variant was classified as likely pathogenic.

Literature cited by the submitters: PubMed 33090715.